The following is an entry in ClinVar:

ClinVar aggregate classification (germline): Uncertain significance (1 of 4 stars; one submission).

Conditions:
Hereditary cancer-predisposing syndrome. Also called: Neoplastic Syndromes, Hereditary; Tumor predisposition; Hereditary neoplastic syndrome; Hereditary Cancer Syndrome. Identifiers: Orphanet 140162, MedGen C0027672, MeSH D009386, MONDO:0015356.

Submission:

Ambry Genetics
Classification: Uncertain significance for Hereditary cancer-predisposing syndrome. Last evaluated: 2019-05-17. Review status: criteria provided, single submitter. Criteria: Ambry Variant Classification Scheme 2023. Collection method: clinical testing. Allele origin: germline.
Comment: The p.H1250Y variant (also known as c.3748C>T), located in coding exon 8 of the MSH6 gene, results from a C to T substitution at nucleotide position 3748. The histidine at codon 1250 is replaced by tyrosine, an amino acid with similar properties. This amino acid position is highly conserved in available vertebrate species. In addition, this alteration is predicted to be deleterious by in silico analysis. In addition, the CoDP in silico tool predicts this alteration to have minor impact on molecular function, with a score of 0.008 (Terui H et al. J. Biomed. Sci. 2013 Apr;20:25). Since supporting evidence is limited at this time, the clinical significance of this alteration remains unclear.

NM_000179.3(MSH6):c.3748C>T (p.His1250Tyr)

Gene: MSH6 (mutS homolog 6; plus strand). Cytogenetic location: 2p16.3.
Variant type: single nucleotide variant.
Coding change: c.3748C>T on transcript NM_000179.3 (MANE Select); coding-DNA position 3748, C replaced by T.
Protein change: p.His1250Tyr; replaces histidine 1250 with tyrosine.
Molecular consequence: missense variant.
Genome position (GRCh38, 1-based): chr2:47,806,305, C>T. VCF-style: chr2-47806305-C-T. GRCh37 (hg19) VCF-style: chr2-48033444-C-T.
Other names: c.3358C>T, p.His1120Tyr (NM_001281492.2); c.2842C>T, p.His948Tyr (NM_001281493.2, NM_001281494.2); short protein forms H948Y, H1250Y, H1120Y.
Identifiers: ClinVar variation 824154 (VCV000824154.4), dbSNP rs1572744993, ClinGen allele CA346761072.